The following is an entry in ClinVar:

NM_002662.5(PLD1):c.3009G>A (p.Arg1003=)

Gene: PLD1 (phospholipase D1; minus strand). Cytogenetic location: 3q26.31.
Variant type: single nucleotide variant.
Coding change: c.3009G>A on transcript NM_002662.5 (MANE Select); coding-DNA position 3009, G replaced by A.
Protein change: p.Arg1003=; no amino-acid change (arginine 1003 retained).
Molecular consequence: synonymous variant.
Genome position (GRCh38, 1-based): chr3:171,603,294, C>T on the plus strand (G>A on the coding strand, the complement: PLD1 is on the minus strand). VCF-style: chr3-171603294-C-T. GRCh37 (hg19) VCF-style: chr3-171321084-C-T.
Other names: c.2895G>A, p.Arg965= (NM_001130081.3); c.3009G>A (NM_002662.4).
Identifiers: ClinVar variation 2861204 (VCV002861204.5), dbSNP rs374352618, ClinGen allele CA2704031.
Genomic context (GRCh38, chr3:171,603,294, plus strand): 5'-GGGCTTGTTTATAAAGTCTCTCAGCTGAATTAAATTGTGTACTTCATCATTGGGAAGGCA[C>T]CGGAAAACCTGATTAGAGCATAAATAGAAAAATGAGTGAAAAGTTTAAAAGCGAGCACAT-3'
Protein context (NP_002653.1, residues 993-1013): RNATIYDKVF[Arg1003=]CLPNDEVHNL

ClinVar aggregate classification (germline): Likely benign. Review status: criteria provided, single submitter (1 of 4 stars). 2 submissions from 2 submitters: Likely benign (1). 1 of the submissions does not count toward it. Last evaluated 2026-01-12.

Conditions:
PLD1-related disorder. Also called: PLD1-related condition.

Allele frequency attached by ClinVar (database versions not stated): ESP Exome Variant Server 0.00031; 1000 Genomes Project 30x 0.00031; ExAC 0.00010; TOPMed 0.00039; 1000 Genomes Project 0.00020; gnomAD 0.00031.
gnomAD v4.1: 103 of 1,612,878 alleles (0.0064%); highest among the groups gnomAD compares: African/African-American, 0.13%; no homozygotes.

Submissions (2):

Labcorp Genetics (formerly Invitae), Labcorp
Classification: Likely benign. Last evaluated: 2026-01-12. Review status: criteria provided, single submitter. Criteria: Invitae Variant Classification Sherloc (09022015). Collection method: clinical testing. Allele origin: germline.

PreventionGenetics, part of Exact Sciences
Classification: Likely benign for PLD1-related condition. Last evaluated: 2019-08-23. Review status: no assertion criteria provided. Collection method: clinical testing. Allele origin: germline. Not counted in ClinVar's aggregate classification.
Comment: This variant is classified as likely benign based on ACMG/AMP sequence variant interpretation guidelines (Richards et al. 2015 PMID: 25741868, with internal and published modifications).